The following is an entry in ClinVar:

NM_000222.3(KIT):c.1586T>G (p.Phe529Cys)

Gene: KIT (KIT proto-oncogene, receptor tyrosine kinase; plus strand). Cytogenetic location: 4q12.
Variant type: single nucleotide variant.
Coding change: c.1586T>G on transcript NM_000222.3 (MANE Select); coding-DNA position 1586, T replaced by G.
Protein change: p.Phe529Cys; replaces phenylalanine 529 with cysteine.
Molecular consequence: missense variant.
Genome position (GRCh38, 1-based): chr4:54,727,263, T>G. VCF-style: chr4-54727263-T-G. GRCh37 (hg19) VCF-style: chr4-55593429-T-G.
Other names: c.1574T>G, p.Phe525Cys (NM_001093772.2, NM_001385286.1); c.1589T>G, p.Phe530Cys (NM_001385284.1, NM_001385290.1); c.1586T>G, p.Phe529Cys (NM_001385285.1); c.1577T>G, p.Phe526Cys (NM_001385288.1, NM_001385292.1); short protein forms F525C, F526C, F529C, F530C.
Identifiers: ClinVar variation 1518598 (VCV001518598.8), dbSNP rs2109774060, ClinGen allele CA356907025.

ClinVar aggregate classification (germline): Uncertain significance (1 of 4 stars; one submission).

Conditions:
Gastrointestinal stromal tumor. Also called: Gastrointestinal stromal tumor, somatic; Gastrointestinal stroma tumor. Identifiers: Orphanet 44890, MedGen C0238198, MeSH D046152, MONDO:0011719, OMIM 606764, HP:0100723.

Submission:

Labcorp Genetics (formerly Invitae), Labcorp
Classification: Uncertain significance for Gastrointestinal stromal tumor. Last evaluated: 2023-06-25. Review status: criteria provided, single submitter. Criteria: Invitae Variant Classification Sherloc (09022015). Collection method: clinical testing. Allele origin: germline.
Comment: An algorithm developed to predict the effect of missense changes on protein structure and function (PolyPhen-2) suggests that this variant is likely to be disruptive. In summary, the available evidence is currently insufficient to determine the role of this variant in disease. Therefore, it has been classified as a Variant of Uncertain Significance. ClinVar contains an entry for this variant (Variation ID: 1518598). This variant has not been reported in the literature in individuals affected with KIT-related conditions. This variant is not present in population databases (gnomAD no frequency). This sequence change replaces phenylalanine, which is neutral and non-polar, with cysteine, which is neutral and slightly polar, at codon 529 of the KIT protein (p.Phe529Cys).